The following is an entry in ClinVar:

ClinVar aggregate classification (germline): Uncertain significance. Review status: criteria provided, multiple submitters, no conflicts (2 of 4 stars). 4 submissions from 4 submitters: Uncertain significance (2). 2 of the submissions do not count toward it. Last evaluated 2023-03-03.

Conditions:
TYR-related disorder. Also called: TYR-related condition.

Allele frequency attached by ClinVar (database versions not stated): gnomAD 0.00001; TOPMed 0.00001.

Submissions (4):

PreventionGenetics, part of Exact Sciences
Classification: Uncertain significance for TYR-related condition. Last evaluated: 2023-03-03. Review status: criteria provided, single submitter. Criteria: ACMG Guidelines, 2015. Collection method: clinical testing. Allele origin: germline.
Comment: The TYR c.149C>T variant is predicted to result in the amino acid substitution p.Ser50Leu. This variant has been reported in an individual with oculocutaneous albinism (Simeonov et al. 2013. PubMed ID: 23504663); however, a second TYR variant was not reported for this individual. This variant has also been reported along with a second TYR variant in an individual with oculocutaneous albinism (Gao et al. 2017. PubMed ID: 28451379). This variant has not been reported in a large population database, indicating this variant is rare. Although we suspect that this variant may be pathogenic, at this time, the clinical significance of this variant is uncertain due to the absence of conclusive functional and genetic evidence.

Blueprint Genetics
Classification: Uncertain significance. Last evaluated: 2021-10-05. Review status: criteria provided, single submitter. Criteria: ACMG Guidelines, 2015. Collection method: clinical testing. Allele origin: germline.

Clinical Genetics DNA and cytogenetics Diagnostics Lab, Erasmus MC, Erasmus Medical Center
Classification: Likely pathogenic. Review status: no assertion criteria provided. Collection method: clinical testing. Allele origin: germline. Affected: yes. Study: VKGL Data-share Consensus. Not counted in ClinVar's aggregate classification.

Clinical Genetics, Academic Medical Center
Classification: Likely pathogenic. Review status: no assertion criteria provided. Collection method: clinical testing. Allele origin: germline. Affected: yes. Study: VKGL Data-share Consensus. Not counted in ClinVar's aggregate classification.

NM_000372.5(TYR):c.149C>T (p.Ser50Leu)

Gene: TYR (tyrosinase; plus strand). Cytogenetic location: 11q14.3.
Variant type: single nucleotide variant.
Coding change: c.149C>T on transcript NM_000372.5 (MANE Select); coding-DNA position 149, C replaced by T.
Protein change: p.Ser50Leu; replaces serine 50 with leucine.
Molecular consequence: missense variant.
Genome position (GRCh38, 1-based): chr11:89,178,102, C>T. VCF-style: chr11-89178102-C-T. GRCh37 (hg19) VCF-style: chr11-88911270-C-T.
Other names: c.149C>T (NM_000372.4); short protein forms S50L.
Identifiers: ClinVar variation 1284580 (VCV001284580.5), dbSNP rs61753181, ClinGen allele CA382033574.